The following is an entry in ClinVar:

NM_005751.5(AKAP9):c.4136C>G (p.Thr1379Arg)

Gene: AKAP9 (A-kinase anchoring protein 9; plus strand). Cytogenetic location: 7q21.2.
Variant type: single nucleotide variant.
Coding change: c.4136C>G on transcript NM_005751.5 (MANE Select); coding-DNA position 4136, C replaced by G.
Protein change: p.Thr1379Arg; replaces threonine 1379 with arginine.
Molecular consequence: missense variant.
Genome position (GRCh38, 1-based): chr7:92,022,997, C>G. VCF-style: chr7-92022997-C-G. GRCh37 (hg19) VCF-style: chr7-91652311-C-G.
Other names: c.4136C>G, p.Thr1379Arg (NM_147185.3); short protein forms T1379R.
Identifiers: ClinVar variation 3516456 (VCV003516456.1).

ClinVar aggregate classification (germline): Uncertain significance (1 of 4 stars; one submission).

Conditions:
Cardiovascular phenotype. Identifiers: MedGen CN230736.

gnomAD v4.1: 1 of 1,613,584 alleles (0.000062%); highest among the groups gnomAD compares: Middle Eastern, 0.017%; no homozygotes.

Submission:

Ambry Genetics
Classification: Uncertain significance for Cardiovascular phenotype. Last evaluated: 2024-08-31. Review status: criteria provided, single submitter. Criteria: Ambry Variant Classification Scheme 2023. Collection method: clinical testing. Allele origin: germline.
Comment: The p.T1379R variant (also known as c.4136C>G), located in coding exon 14 of the AKAP9 gene, results from a C to G substitution at nucleotide position 4136. The threonine at codon 1379 is replaced by arginine, an amino acid with similar properties. This amino acid position is conserved. In addition, this alteration is predicted to be tolerated by in silico analysis. Based on the available evidence, the clinical significance of this variant remains unclear.